The following is an entry in ClinVar:

ClinVar aggregate classification (germline): Pathogenic. Review status: reviewed by expert panel (3 of 4 stars). 3 submissions from 2 submitters: Pathogenic (1). 2 of the submissions do not count toward it. Last evaluated 2017-12-15.

Conditions:
Breast-ovarian cancer, familial, susceptibility to, 2 (BROVCA2). Also called: BRCA2 Hereditary Breast and Ovarian Cancer. Identifiers: Orphanet 145, MedGen C2675520, MONDO:0012933, OMIM 612555. Disease mechanism: loss of function.
Familial cancer of breast. Also called: BREAST CANCER, FAMILIAL; Hereditary breast cancer; hereditary breast carcinoma. Identifiers: Orphanet 227535, MedGen C0346153, MONDO:0016419, OMIM 114480. Disease mechanism: loss of function.
Malignant tumor of breast. Also called: Malignant breast neoplasm; Cancer breast. Identifiers: MedGen C0006142, MONDO:0007254. Disease mechanism: loss of function.

Submissions (3):

Evidence-based Network for the Interpretation of Germline Mutant Alleles (ENIGMA)
Classification: Pathogenic for Breast-ovarian cancer, familial, susceptibility to, 2. Last evaluated: 2017-12-15. Review status: reviewed by expert panel. Criteria: ENIGMA BRCA1/2 Classification Criteria (2017-06-29). Collection method: curation. Allele origin: germline. Study: ENIGMA.
Comment: Variant allele predicted to encode a truncated non-functional protein.

Department of Pathology and Laboratory Medicine, Sinai Health System
Classification: Pathogenic for Familial cancer of breast; Breast-ovarian cancer, familial, susceptibility to, 2. Last evaluated: 2014-12-03. Review status: criteria provided, single submitter. Criteria: ACMG Guidelines, 2015. Collection method: clinical testing. Allele origin: germline. Affected: yes. Not counted in ClinVar's aggregate classification.

Department of Pathology and Laboratory Medicine, Sinai Health System
Classification: Pathogenic for Malignant tumor of breast. Review status: no assertion criteria provided. Collection method: clinical testing. Allele origin: unknown. Affected: yes. Study: The Canadian Open Genetics Repository (COGR). Not counted in ClinVar's aggregate classification.
Comment: The BRCA2 p.Asn1228LysfsX5 insertion-deletion (indel) variant results from a deletion of an adenine residue at nucleotide position 3683 and an insertion of two guanine residues at this position. The variant was not identified in the literature, nor was it identified in the dbSNP, NHLBI Exome Sequencing Project (Exome Variant Server), Exome Aggregation Consortium (ExAC), HGMD, LOVD, COSMIC, ClinVar, GeneInsight VariantWire, BIC or UMD. The p.Asn1228LysfsX5 variant is predicted to cause a frameshift, which alters the protein's amino acid sequence beginning at codon 1228 and leads to a premature stop codon 5 codons downstream. This alteration is then predicted to result in a truncated or absent protein and loss of function. Loss of function variants of the BRCA2 gene are an established mechanism of disease in hereditary breast and ovarian cancer and is the type of variant expected to cause the disorder. In summary, based on the above information, this variant meets our laboratoryâ€šÃ„Ã´s criteria to be classified as pathogenic.

NM_000059.4(BRCA2):c.3683delinsGG (p.Asn1228fs)

Gene: BRCA2 (BRCA2 DNA repair associated; plus strand). Cytogenetic location: 13q13.1.
Variant type: Indel.
Coding change: c.3683delinsGG on transcript NM_000059.4 (MANE Select); coding-DNA position 3683, A replaced by GG.
Protein change: p.Asn1228fs; shifts the reading frame from asparagine 1228.
Molecular consequence: frameshift variant. On other transcripts: non-coding transcript variant (1), intron variant (2).
Genome position (GRCh38, 1-based): chr13:32,338,038, A replaced by GG. VCF-style: chr13-32338038-A-GG. GRCh37 (hg19) VCF-style: chr13-32912175-A-GG.
Other names: c.3683delinsGG, p.Asn1228fs (NM_001406719.1, NM_001406720.1, NM_001432077.1); c.1909+4651delinsGG (NM_001406721.1); c.425-6520delinsGG (NM_001406722.1); short protein forms N1228fs.
Identifiers: ClinVar variation 433780 (VCV000433780.4), dbSNP rs1555283361, ClinGen allele CA645372958.